The following is an entry in ClinVar:

NM_015978.3(TNNI3K):c.1807G>A (p.Val603Met)

Genes: FPGT-TNNI3K (FPGT-TNNI3K readthrough; plus strand), TNNI3K (TNNI3 interacting kinase; plus strand). Cytogenetic location: 1p31.1.
Variant type: single nucleotide variant.
Coding change: c.1807G>A on transcript NM_015978.3 (MANE Select); coding-DNA position 1807, G replaced by A.
Protein change: p.Val603Met; replaces valine 603 with methionine.
Molecular consequence: missense variant.
Genome position (GRCh38, 1-based): chr1:74,436,114, G>A. VCF-style: chr1-74436114-G-A. GRCh37 (hg19) VCF-style: chr1-74901798-G-A.
Other names: c.2110G>A, p.Val704Met (NM_001112808.3, NM_001199327.2); short protein forms V603M, V704M.
Identifiers: ClinVar variation 1348244 (VCV001348244.6), dbSNP rs2100662485, ClinGen allele CA340788774.

ClinVar aggregate classification (germline): Uncertain significance (1 of 4 stars; one submission).

Submission:

Labcorp Genetics (formerly Invitae), Labcorp
Classification: Uncertain significance. Last evaluated: 2021-11-24. Review status: criteria provided, single submitter. Criteria: Invitae Variant Classification Sherloc (09022015). Collection method: clinical testing. Allele origin: germline.
Comment: In summary, the available evidence is currently insufficient to determine the role of this variant in disease. Therefore, it has been classified as a Variant of Uncertain Significance. Algorithms developed to predict the effect of missense changes on protein structure and function are either unavailable or do not agree on the potential impact of this missense change (SIFT: "Deleterious"; PolyPhen-2: "Possibly Damaging"; Align-GVGD: "Class C0"). This variant has not been reported in the literature in individuals affected with TNNI3K-related conditions. This variant is not present in population databases (gnomAD no frequency). This sequence change replaces valine, which is neutral and non-polar, with methionine, which is neutral and non-polar, at codon 603 of the TNNI3K protein (p.Val603Met).